The following is an entry in ClinVar:

NM_007126.5(VCP):c.2228C>T (p.Ala743Val)

Gene: VCP (valosin containing protein; minus strand). Cytogenetic location: 9p13.3.
Variant type: single nucleotide variant.
Coding change: c.2228C>T on transcript NM_007126.5 (MANE Select); coding-DNA position 2228, C replaced by T.
Protein change: p.Ala743Val; replaces alanine 743 with valine.
Molecular consequence: missense variant.
Genome position (GRCh38, 1-based): chr9:35,057,463, G>A on the plus strand (C>T on the coding strand, the complement: VCP is on the minus strand). VCF-style: chr9-35057463-G-A. GRCh37 (hg19) VCF-style: chr9-35057460-G-A.
Other names: c.2093C>T, p.Ala698Val (NM_001354927.2, NM_001354928.2); short protein forms A698V, A743V.
Identifiers: ClinVar variation 837640 (VCV000837640.9), dbSNP rs771662410, ClinGen allele CA5039092.
Genomic context (GRCh38, chr9:35,057,463, plus strand): 5'-TGAAGGGTCTGGGCAAACATCTCATACTTCCGAATGTCATTGTCACTGACAGAACGGCGC[G>A]CAAAGCGCATGGCTTCTTCAAAGTGATCTCGACGGATCTCAGGCACTGGATCATCCTCTT-3'
Protein context (NP_009057.1, residues 733-753): RDHFEEAMRF[Ala743Val]RRSVSDNDIR

ClinVar aggregate classification (germline): Uncertain significance. Review status: criteria provided, multiple submitters, no conflicts (2 of 4 stars). 2 submissions from 2 submitters: Uncertain significance (2). Last evaluated 2024-09-20.

Conditions:
Inclusion body myopathy with Paget disease of bone and frontotemporal dementia. Also called: Inclusion body myopathy with early-onset Paget disease and frontotemporal dementia. Identifiers: Orphanet 52430, MedGen C1833662, MONDO:0000507.
Frontotemporal dementia and/or amyotrophic lateral sclerosis 6 (FTDALS6). Also called: VCP-Related Amyotrophic Lateral Sclerosis; VCP-Related Amyotrophic Lateral Sclerosis/Frontotemporal Dementia. Identifiers: Orphanet 275872, Orphanet 803, MedGen C5436279, MONDO:0013501, OMIM 613954.

Allele frequency attached by ClinVar (database versions not stated): gnomAD exomes below 0.00001; ExAC 0.00001.
gnomAD v4.1: 1 of 1,614,130 alleles (0.000062%); highest among the groups gnomAD compares: Non-Finnish European, 0.000085%; no homozygotes.

Submissions (2):

GeneDx
Classification: Uncertain significance. Last evaluated: 2024-09-20. Review status: criteria provided, single submitter. Criteria: GeneDx Variant Classification Process June 2021. Collection method: clinical testing. Allele origin: germline. Affected: yes.
Comment: Not observed at significant frequency in large population cohorts (gnomAD); In silico analysis supports that this missense variant has a deleterious effect on protein structure/function; Has not been previously published as pathogenic or benign to our knowledge

Labcorp Genetics (formerly Invitae), Labcorp
Classification: Uncertain significance for Inclusion body myopathy with Paget disease of bone and frontotemporal dementia; Frontotemporal dementia and/or amyotrophic lateral sclerosis 6. Last evaluated: 2020-04-06. Review status: criteria provided, single submitter. Criteria: Invitae Variant Classification Sherloc (09022015). Collection method: clinical testing. Allele origin: germline.
Comment: In summary, the available evidence is currently insufficient to determine the role of this variant in disease. Therefore, it has been classified as a Variant of Uncertain Significance. Algorithms developed to predict the effect of missense changes on protein structure and function are either unavailable or do not agree on the potential impact of this missense change (SIFT: "Not Available"; PolyPhen-2: "Probably Damaging"; Align-GVGD: "Not Available"). This variant has not been reported in the literature in individuals with VCP-related conditions. This variant is present in population databases (rs771662410, ExAC 0.002%). This sequence change replaces alanine with valine at codon 743 of the VCP protein (p.Ala743Val). The alanine residue is highly conserved and there is a small physicochemical difference between alanine and valine.